The following continues an entry in ClinVar:

NR_023343.3(RNU4ATAC):n.50G>A

ClinVar aggregate classification (germline): Pathogenic/Likely pathogenic. Pathogenic (2); Likely pathogenic (9).

Submissions 11 to 14 of 14:

Victorian Clinical Genetics Services, Murdoch Childrens Research Institute
Classification: Likely pathogenic for Roifman syndrome. Last evaluated: 2021-05-06. Review status: criteria provided, single submitter. Criteria: ACMG Guidelines, 2015. Collection method: clinical testing. Allele origin: germline. Inheritance: Autosomal recessive inheritance. Affected: yes.
Comment: Based on the classification scheme VCGS_Germline_v1.3.4, this variant is classified as Likely Pathogenic. Following criteria are met: 0102 - Loss of function is a known mechanism of disease in this gene and is associated with microcephalic osteodysplastic primordial dwarfism, type I (MOPD1) (MIM# 210710) and Roifman syndrome (MIM# 616651). (I) 0106 - This gene is associated with autosomal recessive disease. (I) 0218 - Non-coding variant without predicted effect on gene expression of downstream targets. This small nuclear RNA forms part of a spliceosome essential for minor intron splicing (PMID: 26522830). (I) 0251 - This variant is heterozygous. (I) 0304 - Variant is present in gnomAD <0.01 for a recessive condition (v3: 27 heterozygotes, 0 homozygotes). (SP) 0311 - An alternative nucleotide change at the same position is present in gnomAD (v2: 3 heterozygotes, 0 homozygotes). (I) 0601 - Variant is located in the well-established functional 5' stem-loop structure (PMID: 26522830). (SP) 0704 - Another variant comparable to the one identified in this case has limited previous evidence for pathogenicity. n.50G>C was identified in a MOPD1 patient who was compound heterozygous with n.51G>A (PMID: 21474761). (SP) 0803 - This variant has limited previous evidence of pathogenicity in an unrelated individual. It was identified in a MOPD1 patient who was compound heterozygous with n.51G>A (PMID: 21474761). (SP) 0905 - No published segregation evidence has been identified for this variant. (I) 1007 - No published functional evidence has been identified for this variant. (I) 1101 - Very strong and specific phenotype match for this individual. (I) Legend: (SP) - Supporting pathogenic, (I) - Information, (SB) - Supporting benign

Undiagnosed Diseases Network, NIH
Classification: Pathogenic for Roifman syndrome. Last evaluated: 2024-01-05. Review status: no assertion criteria provided. Collection method: clinical testing. Allele origin: paternal. Affected: yes. Observed: 1 variant allele, 1 compound heterozygote. Study: Undiagnosed Diseases Network (NIH), UDN. Not counted in ClinVar's aggregate classification.

OMIM
Classification: Pathogenic for MICROCEPHALIC OSTEODYSPLASTIC PRIMORDIAL DWARFISM, TYPE I. Last evaluated: 2011-04-08. Review status: no assertion criteria provided. Collection method: literature only. Allele origin: germline. Not counted in ClinVar's aggregate classification.

Service de Génétique Moléculaire, Hôpital Robert Debré
Classification: Pathogenic for Osteodysplastic primordial dwarfism, type 1. Review status: no assertion criteria provided. Collection method: clinical testing. Allele origin: unknown. Affected: yes. Not counted in ClinVar's aggregate classification.

Literature cited by the submitters: PubMed 21474761 (cited by 5 submitters); PubMed 33059947 (cited by Labcorp Genetics (formerly Invitae), Labcorp and New York Genome Center); PubMed 34946966 (cited by Labcorp Genetics (formerly Invitae), Labcorp); PubMed 37225827 (cited by Labcorp Genetics (formerly Invitae), Labcorp); PubMed 32628740 (cited by Labcorp Genetics (formerly Invitae), Labcorp); PubMed 30368667 (cited by Labcorp Genetics (formerly Invitae), Labcorp); PubMed 26522830 (cited by Victorian Clinical Genetics Services, Murdoch Childrens Research Institute).